The following is an entry in ClinVar:

NC_000011.10:g.(?_72293347)_(72434494_?)del

Genes: CLPB (ClpB family mitochondrial disaggregase; minus strand), LOC124500684 (Sharpr-MPRA regulatory region 1135; plus strand), LOC126861258 (MED14-independent group 3 enhancer GRCh37_chr11:72012242-72013441; plus strand), LOC126861259 (CDK7 strongly-dependent group 2 enhancer GRCh37_chr11:72131818-72133017; plus strand), LOC130006330 (ATAC-STARR-seq lymphoblastoid active region 5185; plus strand) and 6 more. Cytogenetic location: 11q13.4.
Variant type: Deletion.
Identifiers: ClinVar variation 642638 (VCV000642638.10).

ClinVar aggregate classification (germline): Pathogenic (1 of 4 stars; one submission).

Conditions:
3-methylglutaconic aciduria, type VIIB (MGCA7B). Also called: 3-methylglutaconic aciduria with cataracts, neurologic involvement and neutropenia; CLPB Deficiency; 3-methylglutaconic aciduria, type VII, with cataracts, neurologic involvement and neutropenia. Identifiers: Orphanet 445038, MedGen C5676893, MONDO:0014561, OMIM 616271.

Submission:

Labcorp Genetics (formerly Invitae), Labcorp
Classification: Pathogenic for 3-methylglutaconic aciduria, type VIIB. Last evaluated: 2021-12-15. Review status: criteria provided, single submitter. Criteria: Invitae Variant Classification Sherloc (09022015). Collection method: clinical testing. Allele origin: germline.
Comment: For these reasons, this variant has been classified as Pathogenic. This variant has not been reported in the literature in individuals affected with CLPB-related conditions. A gross deletion of the genomic region encompassing the full coding sequence of the CLPB gene has been identified. Loss-of-function variants in CLPB are known to be pathogenic (PMID: 25597510, 28687938). The boundaries of this event are unknown as they extend beyond the assayed region for this gene and therefore may encompass additional genes.

Literature cited by the submitters: PubMed 25597510; PubMed 28687938.